The following is an entry in ClinVar:

ClinVar aggregate classification (germline): Uncertain significance (1 of 4 stars; one submission).

gnomAD v4.1: 1 of 1,614,144 alleles (0.000062%); highest among the groups gnomAD compares: East Asian, 0.0022%; no homozygotes.

Submission:

GeneDx
Classification: Uncertain significance. Last evaluated: 2025-04-21. Review status: criteria provided, single submitter. Criteria: GeneDx Variant Classification Process June 2021. Collection method: clinical testing. Allele origin: germline. Affected: yes.
Comment: Not observed at significant frequency in large population cohorts (gnomAD); Missense variant in a gene in which most reported pathogenic variants are truncating/loss of function; Has not been previously published as pathogenic or benign to our knowledge

NM_001267550.2(TTN):c.6260A>G (p.Gln2087Arg)

Gene: TTN (titin; minus strand). Cytogenetic location: 2q31.2.
Variant type: single nucleotide variant.
Coding change: c.6260A>G on transcript NM_001267550.2 (MANE Select); coding-DNA position 6260, A replaced by G.
Protein change: p.Gln2087Arg; replaces glutamine 2087 with arginine.
Molecular consequence: missense variant.
Genome position (GRCh38, 1-based): chr2:178,775,604, T>C on the plus strand (A>G on the coding strand, the complement: TTN is on the minus strand). VCF-style: chr2-178775604-T-C. GRCh37 (hg19) VCF-style: chr2-179640331-T-C.
Other names: c.6260A>G, p.Gln2087Arg (NM_001256850.1, NM_133378.4, NM_133379.5); c.6122A>G, p.Gln2041Arg (NM_003319.4, NM_133432.3, NM_133437.4); short protein forms Q2041R, Q2087R.
Identifiers: ClinVar variation 4527448 (VCV004527448.1).